The following is an entry in ClinVar:

NM_001256789.3(CACNA1F):c.1403C>T (p.Thr468Ile)

Gene: CACNA1F (calcium voltage-gated channel subunit alpha1 F; minus strand). Cytogenetic location: Xp11.23.
Variant type: single nucleotide variant.
Coding change: c.1403C>T on transcript NM_001256789.3 (MANE Select); coding-DNA position 1403, C replaced by T.
Protein change: p.Thr468Ile; replaces threonine 468 with isoleucine.
Molecular consequence: missense variant.
Genome position (GRCh38, 1-based): chrX:49,226,469, G>A on the plus strand (C>T on the coding strand, the complement: CACNA1F is on the minus strand). VCF-style: chrX-49226469-G-A. GRCh37 (hg19) VCF-style: chrX-49082931-G-A.
Other names: c.1241C>T, p.Thr414Ile (NM_001256790.3); c.1436C>T, p.Thr479Ile (NM_005183.4); short protein forms T414I, T468I, T479I.
Identifiers: ClinVar variation 3359844 (VCV003359844.1).

ClinVar aggregate classification (germline): Uncertain significance (1 of 4 stars; one submission).

Submission:

GeneDx
Classification: Uncertain significance. Last evaluated: 2023-06-13. Review status: criteria provided, single submitter. Criteria: GeneDx Variant Classification Process June 2021. Collection method: clinical testing. Allele origin: germline. Affected: yes.
Comment: Not observed at significant frequency in large population cohorts (gnomAD); In silico analysis supports that this missense variant has a deleterious effect on protein structure/function; Has not been previously published as pathogenic or benign to our knowledge